The following is an entry in ClinVar:

NM_001130823.3(DNMT1):c.1647C>T (p.Thr549=)

Gene: DNMT1 (DNA methyltransferase 1; minus strand). Cytogenetic location: 19p13.2.
Variant type: single nucleotide variant.
Coding change: c.1647C>T on transcript NM_001130823.3 (MANE Select); coding-DNA position 1647, C replaced by T.
Protein change: p.Thr549=; no amino-acid change (threonine 549 retained).
Molecular consequence: synonymous variant.
Genome position (GRCh38, 1-based): chr19:10,154,771, G>A on the plus strand (C>T on the coding strand, the complement: DNMT1 is on the minus strand). VCF-style: chr19-10154771-G-A. GRCh37 (hg19) VCF-style: chr19-10265447-G-A.
Other names: c.1599C>T, p.Thr533= (NM_001318730.2, NM_001379.4); c.1284C>T, p.Thr428= (NM_001318731.2); c.1647C>T (NM_001130823.2).
Identifiers: ClinVar variation 705119 (VCV000705119.15), dbSNP rs751712217, ClinGen allele CA9188251.
Genomic context (GRCh38, chr19:10,154,771, plus strand): 5'-GTGTCGCAGGAGGGAGTCCTCTGTGAAGCGGTTCAAGTTGAGGCCAGAAGGAGGAACCGT[G>A]GTCTTGAAAGAGAACAGGTTTCTCTCATGCTTAAGCCAAACTGGCCTAAATCCAACTGAA-3'
Protein context (NP_001124295.1, residues 539-559): TYEDLINKIE[Thr549=]TVPPSGLNLN

ClinVar aggregate classification (germline): Likely benign. Review status: criteria provided, multiple submitters, no conflicts (2 of 4 stars). 5 submissions from 5 submitters: Likely benign (5). Last evaluated 2026-05-21.

Conditions:
DNMT1-related disorder. Also called: DNMT1-related condition. Identifiers: MedGen CN381527.
Hereditary sensory neuropathy-deafness-dementia syndrome. Also called: NEUROPATHY, HEREDITARY SENSORY, WITH HEARING LOSS AND DEMENTIA; Hereditary Sensory and Autonomic Neuropathy Type 1E (HSAN1E); HSN IE; Hereditary sensory neuropathy type IE. Identifiers: Orphanet 456318, MedGen C3279885, MONDO:0013584, OMIM 614116.

Allele frequency attached by ClinVar (database versions not stated): ExAC 0.00002; gnomAD exomes 0.00003 and 0.00008; gnomAD 0.00010; TOPMed 0.00018.
gnomAD v4.1: 66 of 1,614,108 alleles (0.0041%); highest among the groups gnomAD compares: Admixed American, 0.058%; no homozygotes.

Submissions (5):

PreventionGenetics, part of Exact Sciences
Classification: Likely benign for DNMT1-related condition. Last evaluated: 2026-05-21. Review status: criteria provided, single submitter. Criteria: ACMG Guidelines, 2015. Collection method: clinical testing. Allele origin: germline.
Comment: This variant is classified as likely benign based on ACMG/AMP sequence variant interpretation guidelines (Richards et al. 2015 PMID: 25741868, with internal and published modifications).

Labcorp Genetics (formerly Invitae), Labcorp
Classification: Likely benign for Hereditary sensory neuropathy-deafness-dementia syndrome. Last evaluated: 2025-07-02. Review status: criteria provided, single submitter. Criteria: Invitae Variant Classification Sherloc (09022015). Collection method: clinical testing. Allele origin: germline.

Laboratory of Genetics, Children's Clinical University Hospital Latvia
Classification: Likely benign. Last evaluated: 2025-02-16. Review status: criteria provided, single submitter. Criteria: ACMG Guidelines, 2015. Collection method: clinical testing. Allele origin: germline. Affected: yes.

Blueprint Genetics
Classification: Likely benign. Last evaluated: 2023-10-23. Review status: criteria provided, single submitter. Criteria: ACMG Guidelines, 2015. Collection method: clinical testing. Allele origin: germline.

GeneDx
Classification: Likely benign. Last evaluated: 2021-06-22. Review status: criteria provided, single submitter. Criteria: GeneDx Variant Classification Process June 2021. Collection method: clinical testing. Allele origin: germline. Affected: yes.